The following is an entry in ClinVar:

NM_001242.5(CD27):c.389C>T (p.Ala130Val)

Genes: CD27 (CD27 molecule; plus strand), CD27-AS1 (CD27 antisense RNA 1; minus strand). Cytogenetic location: 12p13.31.
Variant type: single nucleotide variant.
Coding change: c.389C>T on transcript NM_001242.5 (MANE Select); coding-DNA position 389, C replaced by T.
Protein change: p.Ala130Val; replaces alanine 130 with valine.
Molecular consequence: missense variant. On other transcripts: 5 prime UTR variant (3), non-coding transcript variant (4), intron variant (1).
Genome position (GRCh38, 1-based): chr12:6,450,293, C>T. VCF-style: chr12-6450293-C-T. GRCh37 (hg19) VCF-style: chr12-6559459-C-T.
Other names: c.482C>T, p.Ala161Val (NM_001413263.1); c.362C>T, p.Ala121Val (NM_001413264.1); c.-62C>T (NM_001413266.1, NM_001413267.1, NM_001413268.1); c.269-248C>T (NM_001413265.1); short protein forms A121V, A130V, A161V.
Identifiers: ClinVar variation 3708728 (VCV003708728.2).

ClinVar aggregate classification (germline): Uncertain significance (1 of 4 stars; one submission).

Conditions:
Lymphoproliferative syndrome 2 (LPFS2). Also called: Combined immunodeficiency due to CD27 deficiency; CD27 DEFICIENCY. Identifiers: Orphanet 238505, MedGen C3554540, MONDO:0014054, OMIM 615122.

gnomAD v4.1: 17 of 1,613,790 alleles (0.0011%); highest among the groups gnomAD compares: Non-Finnish European, 0.0014%; no homozygotes.

Submission:

Labcorp Genetics (formerly Invitae), Labcorp
Classification: Uncertain significance for Lymphoproliferative syndrome 2. Last evaluated: 2024-02-03. Review status: criteria provided, single submitter. Criteria: Invitae Variant Classification Sherloc (09022015). Collection method: clinical testing. Allele origin: germline.
Comment: This sequence change replaces alanine, which is neutral and non-polar, with valine, which is neutral and non-polar, at codon 130 of the CD27 protein (p.Ala130Val). This variant is present in population databases (rs377343532, gnomAD 0.002%). This variant has not been reported in the literature in individuals affected with CD27-related conditions. Advanced modeling of protein sequence and biophysical properties (such as structural, functional, and spatial information, amino acid conservation, physicochemical variation, residue mobility, and thermodynamic stability) performed at Invitae indicates that this missense variant is not expected to disrupt CD27 protein function with a negative predictive value of 80%. In summary, the available evidence is currently insufficient to determine the role of this variant in disease. Therefore, it has been classified as a Variant of Uncertain Significance.